The following is an entry in ClinVar:

ClinVar aggregate classification (germline): Conflicting classifications of pathogenicity. Review status: criteria provided, conflicting classifications (1 of 4 stars). 4 submissions from 4 submitters: Uncertain significance (2); Likely benign (2). Last evaluated 2026-07-13.

Conditions:
Familial hemophagocytic lymphohistiocytosis 5. Also called: STXBP2-Related Familial Hemophagocytic Lymphohistiocytosis (STXBP2-fHLH). Identifiers: Orphanet 540, MedGen C2751293, MONDO:0013135, OMIM 613101.
STXBP2-related disorder. Also called: STXBP2-related condition.

Allele frequency attached by ClinVar (database versions not stated): TOPMed 0.00002; gnomAD 0.00004 and 0.00008; gnomAD exomes 0.00008 and 0.00018; ExAC 0.00012; 1000 Genomes Project 30x 0.00047; 1000 Genomes Project 0.00060.
gnomAD v4.1: 275 of 1,614,016 alleles (0.017%); highest among the groups gnomAD compares: East Asian, 0.6%; 1 homozygote.

Submissions (4):

PreventionGenetics, part of Exact Sciences
Classification: Uncertain significance for STXBP2-related condition. Last evaluated: 2026-07-13. Review status: criteria provided, single submitter. Criteria: ACMG Guidelines, 2015. Collection method: clinical testing. Allele origin: germline.
Comment: The STXBP2 c.603G>T variant is predicted to result in the amino acid substitution p.Leu201Phe. This variant has been reported in the heterozygous state in an individual with hemophagocytic lymphohistiocytosis (Table 1, Seo et al. 2015. PubMed ID: 26451869). This variant is reported in 0.11% of alleles in individuals of East Asian descent in gnomAD, which is likely too common to be a primary cause of disease. At this time, the clinical significance of this variant is uncertain due to the absence of conclusive functional and genetic evidence.

Labcorp Genetics (formerly Invitae), Labcorp
Classification: Likely benign for Familial hemophagocytic lymphohistiocytosis 5. Last evaluated: 2025-11-27. Review status: criteria provided, single submitter. Criteria: Invitae Variant Classification Sherloc (09022015). Collection method: clinical testing. Allele origin: germline.

Blueprint Genetics
Classification: Uncertain significance. Last evaluated: 2023-12-15. Review status: criteria provided, single submitter. Criteria: ACMG Guidelines, 2015. Collection method: clinical testing. Allele origin: germline.

Illumina Laboratory Services, Illumina
Classification: Likely benign for Familial hemophagocytic lymphohistiocytosis 5. Last evaluated: 2017-04-28. Review status: criteria provided, single submitter. Criteria: ICSL Variant Classification Criteria 13 December 2019. Collection method: clinical testing. Allele origin: germline.
Comment: This variant was observed as part of a predisposition screen in an ostensibly healthy population. A literature search was performed for the gene, cDNA change, and amino acid change (where applicable). Publications were found based on this search. The evidence from the literature, in combination with allele frequency data from public databases where available, was sufficient to determine this variant is unlikely to cause disease. Therefore, this variant is classified as likely benign.

Literature cited by the submitters: PubMed 28380445 (cited by Illumina Laboratory Services, Illumina); PubMed 26451869 (cited by Illumina Laboratory Services, Illumina).

NM_006949.4(STXBP2):c.603G>T (p.Leu201Phe)

Gene: STXBP2 (syntaxin binding protein 2; plus strand). Cytogenetic location: 19p13.2.
Variant type: single nucleotide variant.
Coding change: c.603G>T on transcript NM_006949.4 (MANE Select); coding-DNA position 603, G replaced by T.
Protein change: p.Leu201Phe; replaces leucine 201 with phenylalanine.
Molecular consequence: missense variant. On other transcripts: non-coding transcript variant (1).
Genome position (GRCh38, 1-based): chr19:7,642,058, G>T. VCF-style: chr19-7642058-G-T. GRCh37 (hg19) VCF-style: chr19-7706944-G-T.
Other names: c.594G>T, p.Leu198Phe (NM_001127396.3); c.636G>T, p.Leu212Phe (NM_001272034.2); short protein forms L212F, L201F, L198F.
Identifiers: ClinVar variation 892710 (VCV000892710.12), dbSNP rs188212047, ClinGen allele CA9143727.